The following is an entry in ClinVar:

ClinVar aggregate classification (germline): Uncertain significance (1 of 4 stars; one submission).

Conditions:
Hereditary cancer-predisposing syndrome. Also called: Neoplastic Syndromes, Hereditary; Tumor predisposition; Hereditary Cancer Syndrome; Hereditary neoplastic syndrome. Identifiers: Orphanet 140162, MedGen C0027672, MeSH D009386, MONDO:0015356.

Submission:

Ambry Genetics
Classification: Uncertain significance for Hereditary cancer-predisposing syndrome. Last evaluated: 2026-03-12. Review status: criteria provided, single submitter. Criteria: Ambry Variant Classification Scheme 2023. Collection method: clinical testing. Allele origin: germline.
Comment: The p.L682V variant (also known as c.2044C>G), located in coding exon 7 of the MET gene, results from a C to G substitution at nucleotide position 2044. The leucine at codon 682 is replaced by valine, an amino acid with highly similar properties. This amino acid position is conserved. In addition, this alteration is predicted to be deleterious by in silico analysis. Based on the available evidence, the clinical significance of this variant remains unclear.

NM_000245.4(MET):c.2044C>G (p.Leu682Val)

Gene: MET (MET proto-oncogene, receptor tyrosine kinase; plus strand). Cytogenetic location: 7q31.2.
Variant type: single nucleotide variant.
Coding change: c.2044C>G on transcript NM_000245.4 (MANE Select); coding-DNA position 2044, C replaced by G.
Protein change: p.Leu682Val; replaces leucine 682 with valine.
Molecular consequence: missense variant.
Genome position (GRCh38, 1-based): chr7:116,757,716, C>G. VCF-style: chr7-116757716-C-G. GRCh37 (hg19) VCF-style: chr7-116397770-C-G.
Other names: c.2044C>G, p.Leu682Val (NM_001127500.3, NM_001324401.3); c.754C>G, p.Leu252Val (NM_001324402.2); short protein forms L252V, L682V.
Identifiers: ClinVar variation 4827503 (VCV004827503.1).
Genomic context (GRCh38, chr7:116,757,716, plus strand): 5'-ATTTCGCCGAAATACGGTCCTATGGCTGGTGGCACTTTACTTACTTTAACTGGAAATTAC[C>G]TAAACAGTGGGAATTCTAGACACATTTCAATTGGTGGAAAAACATGTACTTTAAAAAGGT-3'
Protein context (NP_000236.2, residues 672-692): GTLLTLTGNY[Leu682Val]NSGNSRHISI